The following is an entry in ClinVar:

ClinVar aggregate classification (germline): Uncertain significance. Review status: criteria provided, multiple submitters, no conflicts (2 of 4 stars). 6 submissions from 6 submitters: Uncertain significance (6). Last evaluated 2025-10-09.

Conditions:
Hereditary cancer-predisposing syndrome. Also called: Neoplastic Syndromes, Hereditary; Hereditary Cancer Syndrome; Tumor predisposition; Hereditary neoplastic syndrome. Identifiers: Orphanet 140162, MedGen C0027672, MeSH D009386, MONDO:0015356.
Familial cancer of breast. Also called: Hereditary breast cancer; BREAST CANCER, FAMILIAL; hereditary breast carcinoma. Identifiers: Orphanet 227535, MedGen C0346153, MONDO:0016419, OMIM 114480. Disease mechanism: loss of function.
Ataxia-telangiectasia syndrome (AT). Also called: LOUIS-BAR SYNDROME; Cerebello-oculocutaneous telangiectasia; Immunodeficiency with ataxia telangiectasia; Ataxia-telangiectasia, complementation group D; AT, COMPLEMENTATION GROUP C; Ataxia-telangiectasia, complementation group E. Identifiers: Orphanet 100, MedGen C0004135, MONDO:0008840, OMIM 208900.

Allele frequency attached by ClinVar (database versions not stated): gnomAD exomes 0.00002 and 0.00001; TOPMed 0.00003; gnomAD 0.00004; ExAC 0.00002.
gnomAD v4.1: 17 of 1,614,036 alleles (0.0011%); highest among the groups gnomAD compares: Admixed American, 0.017%; no homozygotes.

Submissions (6):

Labcorp Genetics (formerly Invitae), Labcorp
Classification: Uncertain significance for Ataxia-telangiectasia syndrome. Last evaluated: 2025-10-09. Review status: criteria provided, single submitter. Criteria: Invitae Variant Classification Sherloc (09022015). Collection method: clinical testing. Allele origin: germline.
Comment: This sequence change replaces proline, which is neutral and non-polar, with leucine, which is neutral and non-polar, at codon 3050 of the ATM protein (p.Pro3050Leu). This variant is present in population databases (rs778267979, gnomAD 0.01%). This variant has not been reported in the literature in individuals affected with ATM-related conditions. ClinVar contains an entry for this variant (Variation ID: 418050). Invitae Evidence Modeling of protein sequence and biophysical properties (such as structural, functional, and spatial information, amino acid conservation, physicochemical variation, residue mobility, and thermodynamic stability) has been performed for this missense variant. However, the output from this modeling did not meet the statistical confidence thresholds required to predict the impact of this variant on ATM protein function. In summary, the available evidence is currently insufficient to determine the role of this variant in disease. Therefore, it has been classified as a Variant of Uncertain Significance.

Baylor Genetics
Classification: Uncertain significance for Familial cancer of breast. Last evaluated: 2024-03-14. Review status: criteria provided, single submitter. Criteria: ACMG Guidelines, 2015. Collection method: clinical testing. Allele origin: unknown.

Color Diagnostics, LLC DBA Color Health
Classification: Uncertain significance for Hereditary cancer-predisposing syndrome. Last evaluated: 2023-11-20. Review status: criteria provided, single submitter. Criteria: ACMG Guidelines, 2015. Collection method: clinical testing. Allele origin: germline.
Comment: This missense variant replaces proline with leucine at codon 3050 of the ATM protein. Computational prediction is inconclusive regarding the impact of this variant on protein structure and function (internally defined REVEL score threshold 0.5 < inconclusive < 0.7, PMID: 27666373). To our knowledge, functional studies have not been reported for this variant. This variant has been reported in both affected and unaffected individuals in a large breast cancer case-control study (PMID: 33471991). This variant has been identified in 6/251382 chromosomes in the general population by the Genome Aggregation Database (gnomAD). The available evidence is insufficient to determine the role of this variant in disease conclusively. Therefore, this variant is classified as a Variant of Uncertain Significance.

Women's Health and Genetics/Laboratory Corporation of America, LabCorp
Classification: Uncertain significance. Last evaluated: 2022-03-21. Review status: criteria provided, single submitter. Criteria: LabCorp Variant Classification Summary - May 2015. Collection method: clinical testing. Allele origin: germline.
Comment: Variant summary: ATM c.9149C>T (p.Pro3050Leu) results in a non-conservative amino acid change located in the Phosphatidylinositol 3-/4-kinase, catalytic domain (IPR000403) of the encoded protein sequence. Four of five in-silico tools predict a damaging effect of the variant on protein function. The variant allele was found at a frequency of 2.4e-05 in 251382 control chromosomes (gnomAD). The available data on variant occurrences in the general population are insufficient to allow any conclusion about variant significance. c.9149C>T has been reported in the literature in individuals affected with Breast Cancer and unaffected control individuals (example: Dorling_2021).This report does not provide unequivocal conclusions about association of the variant with Breast Cancer. To our knowledge, no experimental evidence demonstrating an impact on protein function has been reported. Three clinical diagnostic laboratories have submitted clinical-significance assessments for this variant to ClinVar after 2014 and all classified the variant as uncertain significance. Based on the evidence outlined above, the variant was classified as uncertain significance.

Ambry Genetics
Classification: Uncertain significance for Hereditary cancer-predisposing syndrome. Last evaluated: 2021-10-06. Review status: criteria provided, single submitter. Criteria: Ambry Variant Classification Scheme 2023. Collection method: clinical testing. Allele origin: germline.
Comment: The p.P3050L variant (also known as c.9149C>T), located in coding exon 62 of the ATM gene, results from a C to T substitution at nucleotide position 9149. The proline at codon 3050 is replaced by leucine, an amino acid with similar properties. This amino acid position is conserved. In addition, the in silico prediction for this alteration is inconclusive. Since supporting evidence is limited at this time, the clinical significance of this alteration remains unclear.

GeneDx
Classification: Uncertain significance. Last evaluated: 2019-04-12. Review status: criteria provided, single submitter. Criteria: GeneDx Variant Classification Process June 2021. Collection method: clinical testing. Allele origin: germline. Affected: yes.
Comment: Not observed at a significant frequency in large population cohorts (Lek et al., 2016); Has not been previously published as pathogenic or benign to our knowledge

Literature cited by the submitters: PubMed 33471991 (cited by Color Diagnostics, LLC DBA Color Health and Women's Health and Genetics/Laboratory Corporation of America, LabCorp); PubMed 33054084 (cited by Women's Health and Genetics/Laboratory Corporation of America, LabCorp).

NM_000051.4(ATM):c.9149C>T (p.Pro3050Leu)

Genes: C11orf65 (chromosome 11 open reading frame 65; minus strand), ATM (ATM serine/threonine kinase; plus strand). Cytogenetic location: 11q22.3.
Variant type: single nucleotide variant.
Coding change: c.9149C>T on transcript NM_000051.4 (MANE Select); coding-DNA position 9149, C replaced by T.
Protein change: p.Pro3050Leu; replaces proline 3050 with leucine.
Molecular consequence: missense variant. On other transcripts: intron variant (2).
Genome position (GRCh38, 1-based): chr11:108,365,486, C>T. VCF-style: chr11-108365486-C-T. GRCh37 (hg19) VCF-style: chr11-108236213-C-T.
Other names: c.9149C>T, p.Pro3050Leu (NM_001351834.2); c.640+20434G>A (NM_001330368.2); c.694+20434G>A (NM_001351110.2); short protein forms P3050L.
Identifiers: ClinVar variation 418050 (VCV000418050.21), dbSNP rs778267979, ClinGen allele CA6266522.